The following is an entry in ClinVar:

ClinVar aggregate classification (germline): Uncertain significance (1 of 4 stars; one submission).

Conditions:
Charcot-Marie-Tooth disease dominant intermediate B (CMTDIB). Also called: CHARCOT-MARIE-TOOTH NEUROPATHY, DOMINANT INTERMEDIATE B; Charcot-Marie-Tooth disease dominant intermediate 1; CMT DI1; Charcot-Marie-Tooth disease dominant intermediate I. Identifiers: Orphanet 100044, Orphanet 228179, MedGen C1847902, MONDO:0011674, OMIM 606482.

Submission:

Labcorp Genetics (formerly Invitae), Labcorp
Classification: Uncertain significance for Charcot-Marie-Tooth disease dominant intermediate B. Last evaluated: 2022-07-06. Review status: criteria provided, single submitter. Criteria: Invitae Variant Classification Sherloc (09022015). Collection method: clinical testing. Allele origin: germline.
Comment: In summary, the available evidence is currently insufficient to determine the role of this variant in disease. Therefore, it has been classified as a Variant of Uncertain Significance. Variants that disrupt the consensus splice site are a relatively common cause of aberrant splicing (PMID: 17576681, 9536098). Algorithms developed to predict the effect of sequence changes on RNA splicing suggest that this variant is not likely to affect RNA splicing. This variant has not been reported in the literature in individuals affected with DNM2-related conditions. This variant is not present in population databases (gnomAD no frequency). This sequence change falls in intron 16 of the DNM2 gene. It does not directly change the encoded amino acid sequence of the DNM2 protein. It affects a nucleotide within the consensus splice site.

Literature cited by the submitters: PubMed 17576681; PubMed 9536098.

NM_001005361.3(DNM2):c.1781+6G>C

Gene: DNM2 (dynamin 2; plus strand). Cytogenetic location: 19p13.2.
Variant type: single nucleotide variant.
Coding change: c.1781+6G>C on transcript NM_001005361.3 (MANE Select); 6 bases into the intron after coding-DNA position 1781, G replaced by C.
Molecular consequence: intron variant.
Genome position (GRCh38, 1-based): chr19:10,820,095, G>C. VCF-style: chr19-10820095-G-C. GRCh37 (hg19) VCF-style: chr19-10930771-G-C.
Other names: c.1781+6G>C (NM_001005360.3, NM_001190716.2); c.1769+6G>C (NM_004945.4, NM_001005362.3).
Identifiers: ClinVar variation 2138322 (VCV002138322.4), dbSNP rs1568318838, ClinGen allele CA2322622911.